The following is an entry in ClinVar:

NM_024496.4(IRF2BPL):c.1271C>T (p.Pro424Leu)

Gene: IRF2BPL (interferon regulatory factor 2 binding protein like; minus strand). Cytogenetic location: 14q24.3.
Variant type: single nucleotide variant.
Coding change: c.1271C>T on transcript NM_024496.4 (MANE Select); coding-DNA position 1271, C replaced by T.
Protein change: p.Pro424Leu; replaces proline 424 with leucine.
Molecular consequence: missense variant.
Genome position (GRCh38, 1-based): chr14:77,026,522, G>A on the plus strand (C>T on the coding strand, the complement: IRF2BPL is on the minus strand). VCF-style: chr14-77026522-G-A. GRCh37 (hg19) VCF-style: chr14-77492865-G-A.
Other names: short protein forms P424L.
Identifiers: ClinVar variation 1302707 (VCV001302707.3), dbSNP rs2140377831, ClinGen allele CA390495008.

ClinVar aggregate classification (germline): Uncertain significance (1 of 4 stars; one submission).

Submission:

GeneDx
Classification: Uncertain significance. Last evaluated: 2022-12-02. Review status: criteria provided, single submitter. Criteria: GeneDx Variant Classification Process June 2021. Collection method: clinical testing. Allele origin: germline. Affected: yes.
Comment: Not observed at significant frequency in large population cohorts (gnomAD); In silico analysis, which includes protein predictors and evolutionary conservation, supports a deleterious effect; Has not been previously published as pathogenic or benign to our knowledge